The following is an entry in ClinVar:

NM_001114753.3(ENG):c.721_725del (p.Ser241fs)

Gene: ENG (endoglin; minus strand). Cytogenetic location: 9q34.11.
Variant type: Deletion.
Coding change: c.721_725del on transcript NM_001114753.3 (MANE Select); coding-DNA positions 721 to 725, 5 bases deleted (AGCTG; older notation c.721_725delAGCTG).
Protein change: p.Ser241fs; shifts the reading frame from serine 241.
Molecular consequence: frameshift variant.
Genome position (GRCh38, 1-based): chr9:127,825,322-127,825,326, CAGCT deleted on the plus strand (AGCTG on the coding strand, the reverse complement: ENG is on the minus strand); deleting any 5 consecutive bases within chr9:127,825,322-127,825,329 gives the same sequence; the c. name uses the placement nearest the transcript's 3' end. VCF-style (leftmost placement, unchanged base first): chr9-127825321-GCAGCT-G. GRCh37 (hg19) VCF-style: chr9-130587600-GCAGCT-G.
Other names: p.Ser241Argfs*91; c.721_725delAGCTG (NM_000118.3); c.721_725del (NM_001114753.2, NM_000118.2); c.718_722delCTGAG, p.Ser241Argfs (NM_000118.4, NM_001406715.1); c.175_179del, p.Ser59fs (NM_001278138.2); short protein forms S59fs, S241fs.
Identifiers: ClinVar variation 419981 (VCV000419981.25), dbSNP rs1064794219, ClinGen allele CA16618749.

ClinVar aggregate classification (germline): Pathogenic. Review status: criteria provided, multiple submitters, no conflicts (2 of 4 stars). 7 submissions from 7 submitters: Pathogenic (6). 1 of the submissions does not count toward it. Last evaluated 2024-12-20.

Conditions:
Hereditary hemorrhagic telangiectasia (HHT). Also called: ORW DISEASE; Osler Weber Rendu syndrome; OSLER-RENDU-WEBER DISEASE; Osler hemorrhagic telangiectasia syndrome. Identifiers: Orphanet 774, MedGen C0039445, MONDO:0019180. Disease mechanism: loss of function.
ENG-related disorder. Also called: ENG-related condition; ENG-related disorders.
Cardiovascular phenotype. Identifiers: MedGen CN230736.
Telangiectasia, hereditary hemorrhagic, type 1 (HHT1). Also called: Osler Weber Rendu syndrome type 1; ENG-Related Hereditary Hemorrhagic Telangiectasia. Identifiers: Orphanet 774, MedGen C4551861, MONDO:0008535, OMIM 187300. Disease mechanism: loss of function.

Submissions (7):

Ambry Genetics
Classification: Pathogenic for Cardiovascular phenotype. Last evaluated: 2024-12-20. Review status: criteria provided, single submitter. Criteria: Ambry Variant Classification Scheme 2023. Collection method: clinical testing. Allele origin: germline.
Comment: The c.721_725delAGCTG pathogenic mutation, located in coding exon 6 of the ENG gene, results from a deletion of 5 nucleotides at nucleotide positions 721 to 725, causing a translational frameshift with a predicted alternate stop codon (p.S241Rfs*91). This mutation has been reported in an individual with hereditary hemorrhagic telangiectasia presenting with epistaxis, telangiectasias, cerebral arteriovenous malformation, and a positive family history (McDonald J et al. Clin. Genet., 2011 Apr;79:335-44). This variant is considered to be rare based on population cohorts in the Genome Aggregation Database (gnomAD). In addition to the clinical data presented in the literature, this alteration is expected to result in loss of function by premature protein truncation or nonsense-mediated mRNA decay. As such, this alteration is interpreted as a disease-causing mutation.

Labcorp Genetics (formerly Invitae), Labcorp
Classification: Pathogenic for Hereditary hemorrhagic telangiectasia. Last evaluated: 2024-12-17. Review status: criteria provided, single submitter. Criteria: Invitae Variant Classification Sherloc (09022015). Collection method: clinical testing. Allele origin: germline.
Comment: This sequence change creates a premature translational stop signal (p.Ser241Argfs*91) in the ENG gene. It is expected to result in an absent or disrupted protein product. Loss-of-function variants in ENG are known to be pathogenic (PMID: 15879500). This variant is not present in population databases (gnomAD no frequency). This premature translational stop signal has been observed in individual(s) with hereditary hemorraghic telangiectasia (PMID: 20414677, 21158752). ClinVar contains an entry for this variant (Variation ID: 419981). For these reasons, this variant has been classified as Pathogenic.

GeneDx
Classification: Pathogenic. Last evaluated: 2024-03-12. Review status: criteria provided, single submitter. Criteria: GeneDx Variant Classification Process June 2021. Collection method: clinical testing. Allele origin: germline. Affected: yes.
Comment: Identified in patients with HHT referred for genetic testing at GeneDx and in published literature (PMID: 20414677, 21158752); Not observed in large population cohorts (gnomAD); Frameshift variant predicted to result in protein truncation or nonsense mediated decay in a gene for which loss-of-function is a known mechanism of disease; This variant is associated with the following publications: (PMID: 21158752, 20414677)

Mayo Clinic Laboratories, Mayo Clinic
Classification: Pathogenic. Last evaluated: 2023-09-28. Review status: criteria provided, single submitter. Criteria: ACMG Guidelines, 2015. Collection method: clinical testing. Allele origin: germline. Observed: 1 variant allele.
Comment: PM2, PS4_moderate, PVS1

Fulgent Genetics
Classification: Pathogenic for Telangiectasia, hereditary hemorrhagic, type 1. Last evaluated: 2022-05-30. Review status: criteria provided, single submitter. Criteria: ACMG Guidelines, 2015. Collection method: clinical testing. Allele origin: unknown.

ARUP Laboratories, Molecular Genetics and Genomics, ARUP Laboratories
Classification: Pathogenic for Telangiectasia, hereditary hemorrhagic, type 1. Last evaluated: 2019-07-23. Review status: criteria provided, single submitter. Criteria: ARUP Molecular Germline Variant Investigation Process. Collection method: clinical testing. Allele origin: germline.
Comment: The ENG c.721_725delAGCTG; p.Ser241fs variant (rs1064794219) is reported in individuals with HHT (McDonald 2011, Richards-Yutz 2010), and is classified as pathogenic in ClinVar (Variation ID: 419981). This variant is absent from general population databases (Exome Variant Server, Genome Aggregation Database), indicating it is not a common polymorphism. This variant causes a frameshift by deleting five nucleotides, so it is predicted to result in a truncated protein or mRNA subject to nonsense-mediated decay. Based on available information, this variant is considered to be pathogenic. REFERENCES McDonald J et al. Molecular diagnosis in hereditary hemorrhagic telangiectasia: findings in a series tested simultaneously by sequencing and deletion/duplication analysis. Clin Genet. 2011 Apr;79(4):335-44. Richards-Yutz J et al. Update on molecular diagnosis of hereditary hemorrhagic telangiectasia. Hum Genet. 2010 Jul;128(1):61-77.

PreventionGenetics, part of Exact Sciences
Classification: Pathogenic for ENG-related condition. Last evaluated: 2024-05-22. Review status: no assertion criteria provided. Collection method: clinical testing. Allele origin: germline. Not counted in ClinVar's aggregate classification.
Comment: The ENG c.721_725del5 variant is predicted to result in a frameshift and premature protein termination (p.Ser241Argfs*91). This variant has been reported in individuals with hereditary haemorrhagic telangiectasia (Table 3, Richards-Yutz et al. 2010. PubMed ID: 20414677; Supplementary Table 1, McDonald et al. 2011. PubMed ID: 21158752; Internal Data, PreventionGenetics). This variant has not been reported in a large population database, indicating this variant is rare. Frameshift variants in ENG are expected to be pathogenic. This variant is interpreted as pathogenic.

Literature cited by the submitters: PubMed 21158752 (cited by 3 submitters); PubMed 15879500 (cited by Labcorp Genetics (formerly Invitae), Labcorp); PubMed 20414677 (cited by Labcorp Genetics (formerly Invitae), Labcorp and Mayo Clinic Laboratories, Mayo Clinic).